The following is an entry in ClinVar:

ClinVar aggregate classification (germline): Uncertain significance (1 of 4 stars; one submission).

Submission:

Labcorp Genetics (formerly Invitae), Labcorp
Classification: Uncertain significance. Last evaluated: 2022-03-09. Review status: criteria provided, single submitter. Criteria: Invitae Variant Classification Sherloc (09022015). Collection method: clinical testing. Allele origin: germline.
Comment: Algorithms developed to predict the effect of missense changes on protein structure and function are either unavailable or do not agree on the potential impact of this missense change (SIFT: "Deleterious"; PolyPhen-2: "Not Available"; Align-GVGD: "Class C65"). This sequence change replaces arginine, which is basic and polar, with proline, which is neutral and non-polar, at codon 59 of the PDZD7 protein (p.Arg59Pro). This variant is not present in population databases (gnomAD no frequency). This variant has not been reported in the literature in individuals affected with PDZD7-related conditions. In summary, the available evidence is currently insufficient to determine the role of this variant in disease. Therefore, it has been classified as a Variant of Uncertain Significance.

NM_001195263.2(PDZD7):c.176G>C (p.Arg59Pro)

Gene: PDZD7 (PDZ domain containing 7; minus strand). Cytogenetic location: 10q24.31.
Variant type: single nucleotide variant.
Coding change: c.176G>C on transcript NM_001195263.2 (MANE Select); coding-DNA position 176, G replaced by C.
Protein change: p.Arg59Pro; replaces arginine 59 with proline.
Molecular consequence: missense variant.
Genome position (GRCh38, 1-based): chr10:101,030,044, C>G on the plus strand (G>C on the coding strand, the complement: PDZD7 is on the minus strand). VCF-style: chr10-101030044-C-G. GRCh37 (hg19) VCF-style: chr10-102789801-C-G.
Other names: c.176G>C, p.Arg59Pro (NM_001351044.2, NM_024895.5); short protein forms R59P.
Identifiers: ClinVar variation 1391186 (VCV001391186.6), dbSNP rs547919358, ClinGen allele CA378231251.